The following is an entry in ClinVar:

NM_004006.3(DMD):c.5942C>G (p.Thr1981Arg)

Gene: DMD (dystrophin; minus strand). Cytogenetic location: Xp21.1.
Variant type: single nucleotide variant.
Coding change: c.5942C>G on transcript NM_004006.3 (MANE Select); coding-DNA position 5942, C replaced by G.
Protein change: p.Thr1981Arg; replaces threonine 1981 with arginine.
Molecular consequence: missense variant.
Genome position (GRCh38, 1-based): chrX:32,310,257, G>C on the plus strand (C>G on the coding strand, the complement: DMD is on the minus strand). VCF-style: chrX-32310257-G-C. GRCh37 (hg19) VCF-style: chrX-32328374-G-C.
Other names: c.5918C>G, p.Thr1973Arg (NM_000109.4); c.5930C>G, p.Thr1977Arg (NM_004009.3); c.5573C>G, p.Thr1858Arg (NM_004010.3); c.1919C>G, p.Thr640Arg (NM_004011.4); c.1910C>G, p.Thr637Arg (NM_004012.4); short protein forms T1981R, T1858R, T1973R, T637R, T640R, T1977R.
Identifiers: ClinVar variation 290307 (VCV000290307.9), dbSNP rs140575687, ClinGen allele CA10606733.

ClinVar aggregate classification (germline): Uncertain significance. Review status: criteria provided, multiple submitters, no conflicts (2 of 4 stars). 3 submissions from 3 submitters: Uncertain significance (2). 1 of the submissions does not count toward it. Last evaluated 2021-09-02.

Conditions:
Cardiomyopathy (CMYO). Also called: Cardiomyopathies. Identifiers: Orphanet 167848, MedGen C0878544, MONDO:0004994, HP:0001638. Inheritance: Various modes of inheritance.
Becker muscular dystrophy (BMD). Also called: MUSCULAR DYSTROPHY, PSEUDOHYPERTROPHIC PROGRESSIVE, BECKER TYPE; Becker Muscular Dystrophy (BMD). Identifiers: Orphanet 98895, MedGen C0917713, MONDO:0010311, OMIM 300376.
Duchenne muscular dystrophy (DMD). Also called: Duchenne Muscular Dystrophy (DMD); MUSCULAR DYSTROPHY, PSEUDOHYPERTROPHIC PROGRESSIVE, DUCHENNE TYPE. Identifiers: Orphanet 98896, MedGen C0013264, MONDO:0010679, OMIM 310200.
Dystrophin deficiency.

Allele frequency attached by ClinVar (database versions not stated): TOPMed 0.00002.
gnomAD v4.1: 2 of 1,208,169 alleles (0.00017%); highest among the groups gnomAD compares: Non-Finnish European, 0.00022%; no homozygotes.

Submissions (3):

Labcorp Genetics (formerly Invitae), Labcorp
Classification: Uncertain significance for Duchenne muscular dystrophy. Last evaluated: 2021-09-02. Review status: criteria provided, single submitter. Criteria: Invitae Variant Classification Sherloc (09022015). Collection method: clinical testing. Allele origin: germline.
Comment: This sequence change replaces threonine with arginine at codon 1981 of the DMD protein (p.Thr1981Arg). The threonine residue is weakly conserved and there is a moderate physicochemical difference between threonine and arginine. This variant is not present in population databases (ExAC no frequency). This missense change has been observed in individual(s) with clinical features of DMD-related conditions (PMID: 21520333). ClinVar contains an entry for this variant (Variation ID: 290307). Algorithms developed to predict the effect of missense changes on protein structure and function (SIFT, PolyPhen-2, Align-GVGD) all suggest that this variant is likely to be tolerated. In summary, the available evidence is currently insufficient to determine the role of this variant in disease. Therefore, it has been classified as a Variant of Uncertain Significance.

Eurofins Ntd Llc (ga)
Classification: Uncertain significance. Last evaluated: 2016-09-18. Review status: criteria provided, single submitter. Criteria: EGL Classification Definitions 2015. Collection method: clinical testing. Allele origin: germline. Observed: 1 variant allele, 1 heterozygote.

Natera, Inc.
Classification: Uncertain significance for Becker muscular dystrophy; Cardiomyopathy; Duchenne muscular dystrophy; Dystrophin deficiency. Last evaluated: 2020-08-31. Review status: no assertion criteria provided. Collection method: clinical testing. Allele origin: germline. Not counted in ClinVar's aggregate classification.

Literature cited by the submitters: PubMed 21520333 (cited by Labcorp Genetics (formerly Invitae), Labcorp).